The following is an entry in ClinVar:

ClinVar aggregate classification (germline): Likely pathogenic (1 of 4 stars; one submission).

Conditions:
Microcephaly and chorioretinopathy 1. Also called: Microcephaly and chorioretinopathy, autosomal recessive, 1. Identifiers: MedGen C3278481, MONDO:0009624, OMIM 251270.

Submission:

Institute of Medical Genetics and Genomics, Sir Ganga Ram Hospital
Classification: Likely pathogenic for Microcephaly and chorioretinopathy 1. Last evaluated: 2023-12-25. Review status: criteria provided, single submitter. Criteria: ACMG Guidelines, 2015. Collection method: clinical testing. Allele origin: germline. Inheritance: Autosomal recessive inheritance. Affected: yes. Observed: 1 heterozygote.
Comment: Loss of functions variants are known to cause disease as the disease mechanism [PVS1]. This variant is not present in population databases gnomAD). This heterozygous ~405 bases deletion found in a compound heterozygous state along with a 11 base frameshift deletion in 2 similarly afftected individuals of the same family.

NM_020461.4(TUBGCP6):c.3267_3672del (p.Ser1089fs)

Gene: TUBGCP6 (tubulin gamma complex component 6; minus strand). Cytogenetic location: 22q13.33.
Variant type: Deletion.
Coding change: c.3267_3672del on transcript NM_020461.4 (MANE Select); coding-DNA positions 3267 to 3672, 406 bases deleted.
Protein change: p.Ser1089fs; shifts the reading frame from serine 1089.
Molecular consequence: frameshift variant.
Genome position (GRCh38, 1-based): chr22:50,220,687-50,221,092, 406 bases deleted. GRCh37 (hg19): chr22:50,659,117-50,659,522.
Other names: short protein forms S1089fs.
Identifiers: ClinVar variation 2682639 (VCV002682639.2), dbSNP rs2519133759, ClinGen allele CA2697552867.